The following is an entry in ClinVar:

ClinVar aggregate classification (germline): Benign (1 of 4 stars; one submission).

Conditions:
Deafness-lymphedema-leukemia syndrome. Also called: Lymphedema, primary, with myelodysplasia; Emberger syndrome. Identifiers: Orphanet 3226, MedGen C3279664, MONDO:0013540, OMIM 614038.

Allele frequency attached by ClinVar (database versions not stated): gnomAD exomes 0.00297; gnomAD 0.00006 and 0.00021; TOPMed 0.00010; 1000 Genomes Project 0.00200; 1000 Genomes Project 30x 0.00156.
gnomAD v4.1: 354 of 269,074 alleles (0.13%); highest among the groups gnomAD compares: East Asian, 1.9%; 2 homozygotes.

Submission:

Illumina Laboratory Services, Illumina
Classification: Benign for Deafness-lymphedema-leukemia syndrome. Last evaluated: 2018-01-13. Review status: criteria provided, single submitter. Criteria: ICSL Variant Classification Criteria 13 December 2019. Collection method: clinical testing. Allele origin: germline.
Comment: This variant was observed in the ICSL laboratory as part of a predisposition screen in an ostensibly healthy population. It had not been previously curated by ICSL or reported in the Human Gene Mutation Database (HGMD: prior to June 1st, 2018), and was therefore a candidate for classification through an automated scoring system. Utilizing variant allele frequency, disease prevalence and penetrance estimates, and inheritance mode, an automated score was calculated to assess if this variant is too frequent to cause the disease. Based on the score and internal cut-off values, a variant classified as benign is not then subjected to further curation. The score for this variant resulted in a classification of benign for this disease.

NM_032638.5(GATA2):c.*427C>T

Gene: GATA2 (GATA binding protein 2; minus strand). Cytogenetic location: 3q21.3.
Variant type: single nucleotide variant.
Coding change: c.*427C>T on transcript NM_032638.5 (MANE Select); 427 bases downstream of the stop codon, C replaced by T.
Molecular consequence: 3 prime UTR variant.
Genome position (GRCh38, 1-based): chr3:128,480,592, G>A on the plus strand (C>T on the coding strand, the complement: GATA2 is on the minus strand). VCF-style: chr3-128480592-G-A. GRCh37 (hg19) VCF-style: chr3-128199435-G-A.
Other names: c.*427C>T (NM_001145661.2, NM_001145662.1).
Identifiers: ClinVar variation 343124 (VCV000343124.5), dbSNP rs77448517, ClinGen allele CA10617211.